The following is an entry in ClinVar:

ClinVar aggregate classification (germline): Uncertain significance (1 of 4 stars; one submission).

Allele frequency attached by ClinVar (database versions not stated): gnomAD exomes 0.00001; ExAC 0.00001; gnomAD 0.00004; TOPMed 0.00005.
gnomAD v4.1: 25 of 1,614,036 alleles (0.0015%); highest among the groups gnomAD compares: African/African-American, 0.015%; no homozygotes.

Submission:

Labcorp Genetics (formerly Invitae), Labcorp
Classification: Uncertain significance. Last evaluated: 2022-08-10. Review status: criteria provided, single submitter. Criteria: Invitae Variant Classification Sherloc (09022015). Collection method: clinical testing. Allele origin: germline.
Comment: In summary, the available evidence is currently insufficient to determine the role of this variant in disease. Therefore, it has been classified as a Variant of Uncertain Significance. Algorithms developed to predict the effect of missense changes on protein structure and function are either unavailable or do not agree on the potential impact of this missense change (SIFT: "Deleterious"; PolyPhen-2: "Probably Damaging"; Align-GVGD: "Class C0"). ClinVar contains an entry for this variant (Variation ID: 1444663). This variant has not been reported in the literature in individuals affected with MYO5B-related conditions. This variant is present in population databases (rs753977426, gnomAD 0.008%). This sequence change replaces serine, which is neutral and polar, with leucine, which is neutral and non-polar, at codon 186 of the MYO5B protein (p.Ser186Leu).

NM_001080467.3(MYO5B):c.557C>T (p.Ser186Leu)

Gene: MYO5B (myosin VB; minus strand). Cytogenetic location: 18q21.1.
Variant type: single nucleotide variant.
Coding change: c.557C>T on transcript NM_001080467.3 (MANE Select); coding-DNA position 557, C replaced by T.
Protein change: p.Ser186Leu; replaces serine 186 with leucine.
Molecular consequence: missense variant.
Genome position (GRCh38, 1-based): chr18:50,001,310, G>A on the plus strand (C>T on the coding strand, the complement: MYO5B is on the minus strand). VCF-style: chr18-50001310-G-A. GRCh37 (hg19) VCF-style: chr18-47527680-G-A.
Other names: short protein forms S186L.
Identifiers: ClinVar variation 1444663 (VCV001444663.4), dbSNP rs753977426, ClinGen allele CA8961857.